The following is an entry in ClinVar:

ClinVar aggregate classification (germline): Uncertain significance (1 of 4 stars; one submission).

Conditions:
Spastic paraplegia. Identifiers: MedGen C0037772, HP:0001258.

Submission:

Labcorp Genetics (formerly Invitae), Labcorp
Classification: Uncertain significance for Spastic paraplegia. Last evaluated: 2025-01-29. Review status: criteria provided, single submitter. Criteria: Invitae Variant Classification Sherloc (09022015). Collection method: clinical testing. Allele origin: germline.
Comment: This sequence change replaces asparagine, which is neutral and polar, with lysine, which is basic and polar, at codon 411 of the RTN2 protein (p.Asn411Lys). This variant is not present in population databases (gnomAD no frequency). This variant has not been reported in the literature in individuals affected with RTN2-related conditions. An algorithm developed to predict the effect of missense changes on protein structure and function (PolyPhen-2) suggests that this variant is likely to be disruptive. In summary, the available evidence is currently insufficient to determine the role of this variant in disease. Therefore, it has been classified as a Variant of Uncertain Significance.

NM_005619.5(RTN2):c.1233C>A (p.Asn411Lys)

Genes: OPA3-RTN2 (OPA3-RTN2 readthrough; minus strand), RTN2 (reticulon 2; minus strand). Cytogenetic location: 19q13.32.
Variant type: single nucleotide variant.
Coding change: c.1233C>A on transcript NM_005619.5 (MANE Select); coding-DNA position 1233, C replaced by A.
Protein change: p.Asn411Lys; replaces asparagine 411 with lysine.
Molecular consequence: missense variant.
Genome position (GRCh38, 1-based): chr19:45,489,354, G>T on the plus strand (C>A on the coding strand, the complement: RTN2 is on the minus strand). VCF-style: chr19-45489354-G-T. GRCh37 (hg19) VCF-style: chr19-45992612-G-T.
Other names: c.1014C>A, p.Asn338Lys (NM_206900.3); c.213C>A, p.Asn71Lys (NM_206901.3); short protein forms N338K, N71K, N411K.
Identifiers: ClinVar variation 3669943 (VCV003669943.2).